The following is an entry in ClinVar:

ClinVar aggregate classification (germline): Uncertain significance (1 of 4 stars; one submission).

Conditions:
Cystic fibrosis (CF). Also called: MUCOVISCIDOSIS. Identifiers: Orphanet 586, MedGen C0010674, MONDO:0009061, OMIM 219700. Disease mechanism: loss of function.

Submission:

Ambry Genetics
Classification: Uncertain significance for Cystic fibrosis. Last evaluated: 2022-11-10. Review status: criteria provided, single submitter. Criteria: Ambry Variant Classification Scheme 2023. Collection method: clinical testing. Allele origin: germline.
Comment: The p.R1403S variant (also known as c.4209G>T), located in coding exon 26 of the CFTR gene, results from a G to T substitution at nucleotide position 4209. The arginine at codon 1403 is replaced by serine, an amino acid with dissimilar properties. This amino acid position is conserved. In addition, this alteration is predicted to be deleterious by in silico analysis. Since supporting evidence is limited at this time, the clinical significance of this alteration remains unclear.

NM_000492.4(CFTR):c.4209G>T (p.Arg1403Ser)

Gene: CFTR (CF transmembrane conductance regulator; plus strand). Cytogenetic location: 7q31.2.
Variant type: single nucleotide variant.
Coding change: c.4209G>T on transcript NM_000492.4 (MANE Select); coding-DNA position 4209, G replaced by T.
Protein change: p.Arg1403Ser; replaces arginine 1403 with serine.
Molecular consequence: missense variant.
Genome position (GRCh38, 1-based): chr7:117,665,531, G>T. VCF-style: chr7-117665531-G-T. GRCh37 (hg19) VCF-style: chr7-117305585-G-T.
Other names: short protein forms R1403S.
Identifiers: ClinVar variation 2447410 (VCV002447410.2), dbSNP rs2485183154, ClinGen allele CA368983703.
Genomic context (GRCh38, chr7:117,665,531, plus strand): 5'-AATTAGAAGAACTCTAAAACAAGCATTTGCTGATTGCACAGTAATTCTCTGTGAACACAG[G>T]ATAGAAGCAATGCTGGAATGCCAACAATTTTTGGTGAGTCTTTATAACTTTACTTAAGAT-3'
Protein context (NP_000483.3, residues 1393-1413): ADCTVILCEH[Arg1403Ser]IEAMLECQQF